The following is an entry in ClinVar:

NM_000439.5(PCSK1):c.167A>G (p.Asp56Gly)

Genes: CAST (calpastatin; plus strand), PCSK1 (proprotein convertase subtilisin/kexin type 1; minus strand), LOC101929710 (uncharacterized LOC101929710; plus strand). Cytogenetic location: 5q15.
Variant type: single nucleotide variant.
Coding change: c.167A>G on transcript NM_000439.5 (MANE Select); coding-DNA position 167, A replaced by G.
Protein change: p.Asp56Gly; replaces aspartic acid 56 with glycine.
Molecular consequence: missense variant. On other transcripts: intron variant (11).
Genome position (GRCh38, 1-based): chr5:96,432,876, T>C on the plus strand (A>G on the coding strand, the complement: PCSK1 is on the minus strand). VCF-style: chr5-96432876-T-C. GRCh37 (hg19) VCF-style: chr5-95768580-T-C.
Other names: c.-175+53224T>C (NM_001423254.1, NM_001423259.1, NM_001423255.1 and 6 more transcripts); c.-103+53224T>C (NM_001423253.1); c.-40+53224T>C (NM_001423258.1); short protein forms D56G.
Identifiers: ClinVar variation 4997837 (VCV004997837.1).

ClinVar aggregate classification (germline): Uncertain significance (1 of 4 stars; one submission).

Conditions:
PCSK1-related disorder. Also called: PCSK1-related condition.

Submission:

PreventionGenetics, part of Exact Sciences
Classification: Uncertain significance for PCSK1-related condition. Last evaluated: 2025-04-30. Review status: criteria provided, single submitter. Criteria: ACMG Guidelines, 2015. Collection method: clinical testing. Allele origin: germline.
Comment: The PCSK1 c.167A>G variant is predicted to result in the amino acid substitution p.Asp56Gly. This variant was observed in a cohort of individuals with obesity, and in vitro functional studies showed suggestive evidence of loss of function (Supplemental Data Set, Shah et al. 2023. PubMed ID: 36864747). This variant is reported in 0.00089% of alleles in individuals of European (Non-Finnish) descent in gnomAD. Although we suspect that this variant may be pathogenic, at this time, the clinical significance of this variant is uncertain due to the absence of conclusive functional and genetic evidence.